The following is an entry in ClinVar:

NM_001102469.2(LIPN):c.873C>T (p.Asn291=)

Gene: LIPN (lipase family member N; plus strand). Cytogenetic location: 10q23.31.
Variant type: single nucleotide variant.
Coding change: c.873C>T on transcript NM_001102469.2 (MANE Select); coding-DNA position 873, C replaced by T.
Protein change: p.Asn291=; no amino-acid change (asparagine 291 retained).
Molecular consequence: synonymous variant.
Genome position (GRCh38, 1-based): chr10:88,774,526, C>T. VCF-style: chr10-88774526-C-T. GRCh37 (hg19) VCF-style: chr10-90534283-C-T.
Other names: c.873C>T (NM_001102469.1).
Identifiers: ClinVar variation 2076370 (VCV002076370.6), dbSNP rs553091291, ClinGen allele CA5592001.
Genomic context (GRCh38, chr10:88,774,526, plus strand): 5'-CCTTTAGAGTCGAATGGATGTGTATATGTCACATGCTCCCACTGGTTCATCAGTACACAA[C>T]ATTCTGCATATAAAACAGGTAGAGTCTTAGTCATGGAAAACCATTCCAATCCTTATTTTC-3'
Protein context (NP_001095939.1, residues 281-301): SHAPTGSSVH[Asn291=]ILHIKQLYHS

ClinVar aggregate classification (germline): Benign. Review status: criteria provided, single submitter (1 of 4 stars). 2 submissions from 2 submitters: Benign (1). 1 of the submissions does not count toward it. Last evaluated 2022-08-29.

Conditions:
LIPN-related disorder. Also called: LIPN-related condition.

Allele frequency attached by ClinVar (database versions not stated): gnomAD exomes 0.00009; gnomAD 0.00018; TOPMed 0.00021; 1000 Genomes Project 30x 0.00062; 1000 Genomes Project 0.00040; ExAC 0.00059.

Submissions (2):

Labcorp Genetics (formerly Invitae), Labcorp
Classification: Benign. Last evaluated: 2022-08-29. Review status: criteria provided, single submitter. Criteria: Invitae Variant Classification Sherloc (09022015). Collection method: clinical testing. Allele origin: germline.

PreventionGenetics, part of Exact Sciences
Classification: Likely benign for LIPN-related condition. Last evaluated: 2019-03-22. Review status: no assertion criteria provided. Collection method: clinical testing. Allele origin: germline. Not counted in ClinVar's aggregate classification.
Comment: This variant is classified as likely benign based on ACMG/AMP sequence variant interpretation guidelines (Richards et al. 2015 PMID: 25741868, with internal and published modifications).